The following is an entry in ClinVar:

NC_000001.10:g.(?_156105681)_(156107037_?)del

Gene: LMNA (lamin A/C; plus strand). Cytogenetic location: 1q22.
Variant type: Deletion.
Identifiers: ClinVar variation 1067608 (VCV001067608.7).

ClinVar aggregate classification (germline): Likely pathogenic (1 of 4 stars; one submission).

Conditions:
Charcot-Marie-Tooth disease type 2. Also called: Charcot-Marie-Tooth type 2. Identifiers: Orphanet 64746, MedGen C0270914, MONDO:0018993.

Submission:

Labcorp Genetics (formerly Invitae), Labcorp
Classification: Likely pathogenic for Charcot-Marie-Tooth disease type 2. Last evaluated: 2020-03-26. Review status: criteria provided, single submitter. Criteria: Invitae Variant Classification Sherloc (09022015). Collection method: clinical testing. Allele origin: germline.
Comment: This variant has not been reported in the literature in individuals with LMNA-related conditions. This variant is an in-frame deletion of the genomic region encompassing exon(s) 3-12 of the LMNA gene. It preserves the integrity of the reading frame. This variant disrupts the p.Glu317 amino acid residue in LMNA. Other variant(s) that disrupt this residue have been determined to be pathogenic (PMID: 21846512, 27532257, 11897440, 25469153). This suggests that this residue is clinically significant, and that variants that disrupt this residue are likely to be disease-causing. In summary, the currently available evidence indicates that the variant is pathogenic, but additional data are needed to prove that conclusively. Therefore, this variant has been classified as Likely Pathogenic.

Literature cited by the submitters: PubMed 21846512; PubMed 27532257; PubMed 11897440; PubMed 25469153.